The following is an entry in ClinVar:

NM_015346.4(ZFYVE26):c.6589G>T (p.Glu2197Ter)

Gene: ZFYVE26 (zinc finger FYVE-type containing 26; minus strand). Cytogenetic location: 14q24.1.
Variant type: single nucleotide variant.
Coding change: c.6589G>T on transcript NM_015346.4 (MANE Select); coding-DNA position 6589, G replaced by T.
Protein change: p.Glu2197Ter; replaces glutamic acid 2197 with a stop codon.
Molecular consequence: nonsense.
Genome position (GRCh38, 1-based): chr14:67,756,145, C>A on the plus strand (G>T on the coding strand, the complement: ZFYVE26 is on the minus strand). VCF-style: chr14-67756145-C-A. GRCh37 (hg19) VCF-style: chr14-68222862-C-A.
Other names: short protein forms E2197*.
Identifiers: ClinVar variation 2995053 (VCV002995053.4), dbSNP rs758169976, ClinGen allele CA7239169.
Genomic context (GRCh38, chr14:67,756,145, plus strand): 5'-GCTTCCCACTTTTATAGCTTGGTTGGAAAATGCCTTCTATAAAAACTTCTGGAGGACTCT[C>A]CTGGAGCAGGGCAGGGCGAGAAGTCAGAAGTCTTGAGCCTGGTTCTGGCACTGTCTGGGA-3'

ClinVar aggregate classification (germline): Pathogenic (1 of 4 stars; one submission).

Conditions:
Spastic paraplegia. Identifiers: MedGen C0037772, HP:0001258.

Allele frequency attached by ClinVar (database versions not stated): gnomAD exomes below 0.00001; TOPMed below 0.00001; ExAC 0.00001.
gnomAD v4.1: 2 of 1,614,058 alleles (0.00012%); highest among the groups gnomAD compares: Non-Finnish European, 0.00017%; no homozygotes.

Submission:

Labcorp Genetics (formerly Invitae), Labcorp
Classification: Pathogenic for Spastic paraplegia. Last evaluated: 2022-12-23. Review status: criteria provided, single submitter. Criteria: Invitae Variant Classification Sherloc (09022015). Collection method: clinical testing. Allele origin: germline.
Comment: This sequence change creates a premature translational stop signal (p.Glu2197*) in the ZFYVE26 gene. It is expected to result in an absent or disrupted protein product. Loss-of-function variants in ZFYVE26 are known to be pathogenic (PMID: 18394578, 19805727). This variant is present in population databases (rs758169976, gnomAD 0.0009%). This variant has not been reported in the literature in individuals affected with ZFYVE26-related conditions. Algorithms developed to predict the effect of sequence changes on RNA splicing suggest that this variant may disrupt the consensus splice site. For these reasons, this variant has been classified as Pathogenic.

Literature cited by the submitters: PubMed 18394578; PubMed 19805727.